The following is an entry in ClinVar:

NM_181882.3(PRX):c.1936G>C (p.Glu646Gln)

Gene: PRX (periaxin; minus strand). Cytogenetic location: 19q13.2.
Variant type: single nucleotide variant.
Coding change: c.1936G>C on transcript NM_181882.3 (MANE Select); coding-DNA position 1936, G replaced by C.
Protein change: p.Glu646Gln; replaces glutamic acid 646 with glutamine.
Molecular consequence: missense variant. On other transcripts: 3 prime UTR variant (1).
Genome position (GRCh38, 1-based): chr19:40,396,416, C>G on the plus strand (G>C on the coding strand, the complement: PRX is on the minus strand). VCF-style: chr19-40396416-C-G. GRCh37 (hg19) VCF-style: chr19-40902323-C-G.
Other names: c.*2141G>C (NM_020956.2); short protein forms E646Q.
Identifiers: ClinVar variation 1695776 (VCV001695776.2), dbSNP rs750625856, ClinGen allele CA405897351.

ClinVar aggregate classification (germline): Uncertain significance (1 of 4 stars; one submission).

Submission:

GeneDx
Classification: Uncertain significance. Last evaluated: 2022-01-10. Review status: criteria provided, single submitter. Criteria: GeneDx Variant Classification Process June 2021. Collection method: clinical testing. Allele origin: germline. Affected: yes.
Comment: Not observed at significant frequency in large population cohorts (gnomAD); In silico analysis supports that this missense variant does not alter protein structure/function; Has not been previously published as pathogenic or benign to our knowledge